The following is an entry in ClinVar:

ClinVar aggregate classification (germline): Uncertain significance (1 of 4 stars; one submission).

Conditions:
Emery-Dreifuss muscular dystrophy 5, autosomal dominant (EDMD5). Also called: EMERY-DREIFUSS MUSCULAR DYSTROPHY 5. Identifiers: Orphanet 261, MedGen C2751805, MONDO:0013072, OMIM 612999.

gnomAD v4.1: 2 of 1,564,568 alleles (0.00013%); highest among the groups gnomAD compares: Non-Finnish European, 0.00018%; no homozygotes.

Submission:

Labcorp Genetics (formerly Invitae), Labcorp
Classification: Uncertain significance for Emery-Dreifuss muscular dystrophy 5, autosomal dominant. Last evaluated: 2019-10-02. Review status: criteria provided, single submitter. Criteria: Invitae Variant Classification Sherloc (09022015). Collection method: clinical testing. Allele origin: germline.
Comment: This sequence change replaces lysine with glutamic acid at codon 558 of the SYNE2 protein (p.Lys558Glu). The lysine residue is weakly conserved and there is a small physicochemical difference between lysine and glutamic acid. This variant is not present in population databases (ExAC no frequency). This variant has not been reported in the literature in individuals with SYNE2-related conditions. Algorithms developed to predict the effect of missense changes on protein structure and function output the following: SIFT: "Tolerated"; PolyPhen-2: "Benign"; Align-GVGD: "Class C0". The glutamic acid amino acid residue is found in multiple mammalian species, suggesting that this missense change does not adversely affect protein function. These predictions have not been confirmed by published functional studies and their clinical significance is uncertain. In summary, the available evidence is currently insufficient to determine the role of this variant in disease. Therefore, it has been classified as a Variant of Uncertain Significance.

NM_182914.3(SYNE2):c.1672A>G (p.Lys558Glu)

Gene: SYNE2 (spectrin repeat containing nuclear envelope protein 2; plus strand). Cytogenetic location: 14q23.2.
Variant type: single nucleotide variant.
Coding change: c.1672A>G on transcript NM_182914.3 (MANE Select); coding-DNA position 1672, A replaced by G.
Protein change: p.Lys558Glu; replaces lysine 558 with glutamic acid.
Molecular consequence: missense variant.
Genome position (GRCh38, 1-based): chr14:63,981,009, A>G. VCF-style: chr14-63981009-A-G. GRCh37 (hg19) VCF-style: chr14-64447727-A-G.
Other names: c.1672A>G, p.Lys558Glu (NM_015180.6); short protein forms K558E.
Identifiers: ClinVar variation 956522 (VCV000956522.1), dbSNP rs761401589, ClinGen allele CA389959770.